The following is an entry in ClinVar:

NM_004006.3(DMD):c.10292A>C (p.Asp3431Ala)

Gene: DMD (dystrophin; minus strand). Cytogenetic location: Xp21.2.
Variant type: single nucleotide variant.
Coding change: c.10292A>C on transcript NM_004006.3 (MANE Select); coding-DNA position 10292, A replaced by C.
Protein change: p.Asp3431Ala; replaces aspartic acid 3431 with alanine.
Molecular consequence: missense variant. On other transcripts: intron variant (2).
Genome position (GRCh38, 1-based): chrX:31,173,575, T>G on the plus strand (A>C on the coding strand, the complement: DMD is on the minus strand). VCF-style: chrX-31173575-T-G. GRCh37 (hg19) VCF-style: chrX-31191692-T-G.
Other names: c.10268A>C, p.Asp3423Ala (NM_000109.4); c.10280A>C, p.Asp3427Ala (NM_004009.3); c.9923A>C, p.Asp3308Ala (NM_004010.3); c.6269A>C, p.Asp2090Ala (NM_004011.4); c.6260A>C, p.Asp2087Ala (NM_004012.4); c.2912A>C, p.Asp971Ala (NM_004013.3, NM_004021.3); c.2105A>C, p.Asp702Ala (NM_004014.3); c.1088A>C, p.Asp363Ala (NM_004015.3, NM_004016.3); and 3 more; short protein forms D2087A, D2090A, D3308A, D3423A, D3427A, D3431A, D350A, D363A.
Identifiers: ClinVar variation 4800937 (VCV004800937.1).

ClinVar aggregate classification (germline): Uncertain significance (1 of 4 stars; one submission).

Conditions:
Duchenne muscular dystrophy (DMD). Also called: Duchenne Muscular Dystrophy (DMD); MUSCULAR DYSTROPHY, PSEUDOHYPERTROPHIC PROGRESSIVE, DUCHENNE TYPE. Identifiers: Orphanet 98896, MedGen C0013264, MONDO:0010679, OMIM 310200.

Submission:

Labcorp Genetics (formerly Invitae), Labcorp
Classification: Uncertain significance for Duchenne muscular dystrophy. Last evaluated: 2025-07-15. Review status: criteria provided, single submitter. Criteria: Invitae Variant Classification Sherloc (09022015). Collection method: clinical testing. Allele origin: germline.
Comment: This sequence change replaces aspartic acid, which is acidic and polar, with alanine, which is neutral and non-polar, at codon 3431 of the DMD protein (p.Asp3431Ala). This variant is not present in population databases (gnomAD no frequency). This variant has not been reported in the literature in individuals affected with DMD-related conditions. Invitae Evidence Modeling of protein sequence and biophysical properties (such as structural, functional, and spatial information, amino acid conservation, physicochemical variation, residue mobility, and thermodynamic stability) indicates that this missense variant is not expected to disrupt DMD protein function with a negative predictive value of 95%. In summary, the available evidence is currently insufficient to determine the role of this variant in disease. Therefore, it has been classified as a Variant of Uncertain Significance.